The following is an entry in ClinVar:

ClinVar aggregate classification (germline): Conflicting classifications of pathogenicity. Review status: criteria provided, conflicting classifications (1 of 4 stars). 3 submissions from 3 submitters: Uncertain significance (2); Likely benign (1). Last evaluated 2024-01-16.

Conditions:
Inborn genetic diseases. Identifiers: MedGen C0950123, MeSH D030342.

Allele frequency attached by ClinVar (database versions not stated): TOPMed below 0.00001; gnomAD exomes 0.00001; ExAC 0.00002; ESP Exome Variant Server 0.00008.
gnomAD v4.1: 4 of 1,614,144 alleles (0.00025%); highest among the groups gnomAD compares: Non-Finnish European, 0.00034%; no homozygotes.

Submissions (3):

Ambry Genetics
Classification: Likely benign for Inborn genetic diseases. Last evaluated: 2024-01-16. Review status: criteria provided, single submitter. Criteria: Ambry Variant Classification Scheme 2023. Collection method: clinical testing. Allele origin: germline.

Labcorp Genetics (formerly Invitae), Labcorp
Classification: Uncertain significance. Last evaluated: 2023-07-07. Review status: criteria provided, single submitter. Criteria: Invitae Variant Classification Sherloc (09022015). Collection method: clinical testing. Allele origin: germline.
Comment: This sequence change replaces serine, which is neutral and polar, with leucine, which is neutral and non-polar, at codon 2074 of the ARID1B protein (p.Ser2074Leu). This variant is present in population databases (rs149978361, gnomAD 0.002%). This variant has not been reported in the literature in individuals affected with ARID1B-related conditions. ClinVar contains an entry for this variant (Variation ID: 1336371). Advanced modeling of protein sequence and biophysical properties (such as structural, functional, and spatial information, amino acid conservation, physicochemical variation, residue mobility, and thermodynamic stability) has been performed at Invitae for this missense variant, however the output from this modeling did not meet the statistical confidence thresholds required to predict the impact of this variant on ARID1B protein function. In summary, the available evidence is currently insufficient to determine the role of this variant in disease. Therefore, it has been classified as a Variant of Uncertain Significance.

Genetic Services Laboratory, University of Chicago
Classification: Uncertain significance. Last evaluated: 2018-04-13. Review status: criteria provided, single submitter. Criteria: ACMG Guidelines, 2015. Collection method: clinical testing. Allele origin: germline. Affected: no.

NM_001374828.1(ARID1B):c.6590C>T (p.Ser2197Leu)

Gene: ARID1B (AT-rich interaction domain 1B; plus strand). Cytogenetic location: 6q25.3.
Variant type: single nucleotide variant.
Coding change: c.6590C>T on transcript NM_001374828.1 (MANE Select); coding-DNA position 6590, C replaced by T.
Protein change: p.Ser2197Leu; replaces serine 2197 with leucine.
Molecular consequence: missense variant.
Genome position (GRCh38, 1-based): chr6:157,207,362, C>T. VCF-style: chr6-157207362-C-T. GRCh37 (hg19) VCF-style: chr6-157528496-C-T.
Other names: c.6221C>T (NM_020732.3); c.4091C>T, p.Ser1364Leu (NM_001363725.2); c.6470C>T, p.Ser2157Leu (NM_001371656.1, NM_001374820.1); c.6431C>T, p.Ser2144Leu (NM_017519.3); short protein forms S1364L, S2144L, S2157L, S2197L.
Identifiers: ClinVar variation 1336371 (VCV001336371.8), dbSNP rs149978361, ClinGen allele CA4068043.
Genomic context (GRCh38, chr6:157,207,362, plus strand): 5'-ACTGGATGGTGTGCCCGTCTGCAGAGGCACAAGATCCCTTTCCAACTGTGGGACCCAACT[C>T]GGTCCTGTCGCCTCAGAGACTTGTGCTGGAGACCCTCTGTAAACTCAGTATCCAGGACAA-3'
Protein context (NP_001361757.1, residues 2187-2207): QDPFPTVGPN[Ser2197Leu]VLSPQRLVLE